The following is an entry in ClinVar:

ClinVar aggregate classification (germline): Pathogenic (1 of 4 stars; one submission).

Conditions:
Dilated cardiomyopathy 1II (CMD1II). Identifiers: Orphanet 154, MedGen C3554649, MONDO:0014073, OMIM 615184.

Submission:

Labcorp Genetics (formerly Invitae), Labcorp
Classification: Pathogenic for Dilated cardiomyopathy 1II. Last evaluated: 2025-10-22. Review status: criteria provided, single submitter. Criteria: Invitae Variant Classification Sherloc (09022015). Collection method: clinical testing. Allele origin: germline.
Comment: This sequence change creates a premature translational stop signal (p.Glu34Glyfs*11) in the CRYAB gene. It is expected to result in an absent or disrupted protein product. Loss-of-function variants in CRYAB are known to be pathogenic (PMID: 21337604). This variant is not present in population databases (gnomAD no frequency). This variant has not been reported in the literature in individuals affected with CRYAB-related conditions. For these reasons, this variant has been classified as Pathogenic.

Literature cited by the submitters: PubMed 21337604.

NM_001289808.2(CRYAB):c.101del (p.Glu34fs)

Gene: CRYAB (crystallin alpha B; minus strand). Cytogenetic location: 11q23.1.
Variant type: Deletion.
Coding change: c.101del on transcript NM_001289808.2 (MANE Select); coding-DNA position 101, one base deleted (A; older notation c.101delA).
Protein change: p.Glu34fs; shifts the reading frame from glutamic acid 34.
Molecular consequence: frameshift variant.
Genome position (GRCh38, 1-based): chr11:111,911,624, T deleted on the plus strand (A on the coding strand, the reverse complement: CRYAB is on the minus strand). VCF-style (leftmost placement, unchanged base first): chr11-111911623-CT-C. GRCh37 (hg19) VCF-style: chr11-111782347-CT-C.
Other names: c.101del, p.Glu34fs (NM_001289807.1, NM_001368245.1, NM_001885.3); short protein forms E34fs.
Identifiers: ClinVar variation 4736669 (VCV004736669.1).